The following is an entry in ClinVar:

NM_005732.4(RAD50):c.381C>G (p.Val127=)

Gene: RAD50 (RAD50 double strand break repair protein; plus strand). Cytogenetic location: 5q31.1.
Variant type: single nucleotide variant.
Coding change: c.381C>G on transcript NM_005732.4 (MANE Select); coding-DNA position 381, C replaced by G.
Protein change: p.Val127=; no amino-acid change (valine 127 retained).
Molecular consequence: synonymous variant.
Genome position (GRCh38, 1-based): chr5:132,579,332, C>G. VCF-style: chr5-132579332-C-G. GRCh37 (hg19) VCF-style: chr5-131915024-C-G.
Other names: c.381C>G (NM_005732.3).
Identifiers: ClinVar variation 1090556 (VCV001090556.10), dbSNP rs2149837697, ClinGen allele CA446355038.

ClinVar aggregate classification (germline): Conflicting classifications of pathogenicity. Review status: criteria provided, conflicting classifications (1 of 4 stars). 2 submissions from 2 submitters: Uncertain significance (1); Likely benign (1). Last evaluated 2024-06-04.

Conditions:
Hereditary cancer-predisposing syndrome. Also called: Hereditary Cancer Syndrome; Neoplastic Syndromes, Hereditary; Hereditary neoplastic syndrome; Tumor predisposition. Identifiers: Orphanet 140162, MedGen C0027672, MeSH D009386, MONDO:0015356.

Submissions (2):

Ambry Genetics
Classification: Uncertain significance for Hereditary cancer-predisposing syndrome. Last evaluated: 2024-06-04. Review status: criteria provided, single submitter. Criteria: Ambry Variant Classification Scheme 2023. Collection method: clinical testing. Allele origin: germline.
Comment: The c.381C>G variant (also known as p.V127V), located in coding exon 4 of the RAD50 gene, results from a C to G substitution at nucleotide position 381. This nucleotide substitution does not change the valine at codon 127. This nucleotide position is not well conserved in available vertebrate species. In silico splice site analysis for this alteration is inconclusive. Based on the available evidence, the clinical significance of this variant remains unclear.

Labcorp Genetics (formerly Invitae), Labcorp
Classification: Likely benign for Hereditary cancer-predisposing syndrome. Last evaluated: 2023-11-27. Review status: criteria provided, single submitter. Criteria: Invitae Variant Classification Sherloc (09022015). Collection method: clinical testing. Allele origin: germline.